The following is an entry in ClinVar:

NM_003002.4(SDHD):c.314+7A>T

Gene: SDHD (succinate dehydrogenase complex subunit D; plus strand). Cytogenetic location: 11q23.1.
Variant type: single nucleotide variant.
Coding change: c.314+7A>T on transcript NM_003002.4 (MANE Select); 7 bases into the intron after coding-DNA position 314, A replaced by T.
Molecular consequence: intron variant.
Genome position (GRCh38, 1-based): chr11:112,089,018, A>T. VCF-style: chr11-112089018-A-T. GRCh37 (hg19) VCF-style: chr11-111959742-A-T.
Other names: c.314+7A>T (NM_001276506.2); c.169+1045A>T (NM_001276503.2); c.197+7A>T (NM_001276504.2).
Identifiers: ClinVar variation 1097128 (VCV001097128.11), dbSNP rs2135269897, ClinGen allele CA2499220753.

ClinVar aggregate classification (germline): Likely benign. Review status: criteria provided, multiple submitters, no conflicts (2 of 4 stars). 2 submissions from 2 submitters: Likely benign (2). Last evaluated 2025-03-17.

Conditions:
Pheochromocytoma/paraganglioma syndrome 1. Also called: Paragangliomas 1; PARAGANGLIOMAS, FAMILIAL NONCHROMAFFIN, 1; PGL 1; Paragangliomas familial 1; SDHD-Related Hereditary Paraganglioma-Pheochromocytoma Syndrome; PARAGANGLIOMATA. Identifiers: Orphanet 29072, MedGen C3494181, MONDO:0008192, OMIM 168000.
Carney-Stratakis syndrome. Also called: PARAGANGLIOMA AND GASTROINTESTINAL STROMAL TUMOR. Identifiers: Orphanet 97286, MedGen C1847319, MONDO:0011740, OMIM 606864.
Pheochromocytoma. Also called: MAX-Related Hereditary Paraganglioma-Pheochromocytoma Syndrome. Identifiers: Orphanet 29072, MedGen C0031511, MONDO:0008233, OMIM 171300, HP:0002666.
Paragangliomas with sensorineural hearing loss. Identifiers: MedGen C1868633.
Cowden syndrome 3 (CWS3). Identifiers: Orphanet 201, MedGen CN166604, MONDO:0014045.

Submissions (2):

Myriad Genetics, Inc.
Classification: Likely benign for Pheochromocytoma/paraganglioma syndrome 1. Last evaluated: 2025-03-17. Review status: criteria provided, single submitter. Criteria: Myriad Autosomal Dominant, Autosomal Recessive and X-Linked Classification Criteria (2023). Collection method: clinical testing. Allele origin: unknown.
Comment: This variant is considered likely benign. This variant is intronic and is not expected to impact mRNA splicing.

Labcorp Genetics (formerly Invitae), Labcorp
Classification: Likely benign for Carney-Stratakis syndrome; Paragangliomas with sensorineural hearing loss; Pheochromocytoma; Cowden syndrome 3. Last evaluated: 2019-10-01. Review status: criteria provided, single submitter. Criteria: Invitae Variant Classification Sherloc (09022015). Collection method: clinical testing. Allele origin: germline.